The following is an entry in ClinVar:

ClinVar aggregate classification (germline): Conflicting classifications of pathogenicity. Review status: criteria provided, conflicting classifications (1 of 4 stars). 3 submissions from 3 submitters: Uncertain significance (2); Likely benign (1). Last evaluated 2025-11-19.

Conditions:
Autoimmune interstitial lung disease-arthritis syndrome. Also called: Autoinflammation and autoimmunity, systemic, with immune dysregulation. Identifiers: Orphanet 444092, MedGen C5975714, MONDO:0014629.
Inborn genetic diseases. Identifiers: MedGen C0950123, MeSH D030342.

Allele frequency attached by ClinVar (database versions not stated): gnomAD 0.00001 and 0.00002; TOPMed 0.00001; ExAC 0.00003; gnomAD exomes 0.00003.
gnomAD v4.1: 43 of 1,613,940 alleles (0.0027%); highest among the groups gnomAD compares: South Asian, 0.016%; no homozygotes.

Submissions (3):

Labcorp Genetics (formerly Invitae), Labcorp
Classification: Uncertain significance for Autoimmune interstitial lung disease-arthritis syndrome. Last evaluated: 2025-11-19. Review status: criteria provided, single submitter. Criteria: Invitae Variant Classification Sherloc (09022015). Collection method: clinical testing. Allele origin: germline.
Comment: This sequence change replaces isoleucine, which is neutral and non-polar, with valine, which is neutral and non-polar, at codon 625 of the COPA protein (p.Ile625Val). This variant is present in population databases (rs539596065, gnomAD 0.01%). This variant has not been reported in the literature in individuals affected with COPA-related conditions. ClinVar contains an entry for this variant (Variation ID: 935667). Invitae Evidence Modeling of protein sequence and biophysical properties (such as structural, functional, and spatial information, amino acid conservation, physicochemical variation, residue mobility, and thermodynamic stability) indicates that this missense variant is not expected to disrupt COPA protein function with a negative predictive value of 80%. In summary, the available evidence is currently insufficient to determine the role of this variant in disease. Therefore, it has been classified as a Variant of Uncertain Significance.

Ambry Genetics
Classification: Uncertain significance for Inborn genetic diseases. Last evaluated: 2025-05-23. Review status: criteria provided, single submitter. Criteria: Ambry Variant Classification Scheme 2023. Collection method: clinical testing. Allele origin: germline.

CeGaT Center for Human Genetics Tuebingen
Classification: Likely benign. Last evaluated: 2022-03-01. Review status: criteria provided, single submitter. Criteria: CeGaT Center For Human Genetics Tuebingen Variant Classification Criteria Version 2. Collection method: clinical testing. Allele origin: germline. Affected: yes. Observed: 1 variant allele.
Comment: COPA: PP2, BS2

NM_004371.4(COPA):c.1873A>G (p.Ile625Val)

Gene: COPA (coat protein complex I subunit alpha; minus strand). Cytogenetic location: 1q23.2.
Variant type: single nucleotide variant.
Coding change: c.1873A>G on transcript NM_004371.4 (MANE Select); coding-DNA position 1873, A replaced by G.
Protein change: p.Ile625Val; replaces isoleucine 625 with valine.
Molecular consequence: missense variant.
Genome position (GRCh38, 1-based): chr1:160,298,949, T>C on the plus strand (A>G on the coding strand, the complement: COPA is on the minus strand). VCF-style: chr1-160298949-T-C. GRCh37 (hg19) VCF-style: chr1-160268739-T-C.
Other names: c.1900A>G, p.Ile634Val (NM_001098398.2); c.1900A>G (NM_001098398.1); short protein forms I634V, I625V.
Identifiers: ClinVar variation 935667 (VCV000935667.34), dbSNP rs539596065, ClinGen allele CA1198005.